The following is an entry in ClinVar:

NM_152564.5(VPS13B):c.5980G>T (p.Asp1994Tyr)

Gene: VPS13B (vacuolar protein sorting 13 homolog B; plus strand). Cytogenetic location: 8q22.2.
Variant type: single nucleotide variant.
Coding change: c.5980G>T on transcript NM_152564.5 (MANE Select); coding-DNA position 5980, G replaced by T.
Protein change: p.Asp1994Tyr; replaces aspartic acid 1994 with tyrosine.
Molecular consequence: missense variant.
Genome position (GRCh38, 1-based): chr8:99,661,425, G>T. VCF-style: chr8-99661425-G-T. GRCh37 (hg19) VCF-style: chr8-100673653-G-T.
Other names: c.6055G>T, p.Asp2019Tyr (NM_017890.5); short protein forms D1994Y, D2019Y.
Identifiers: ClinVar variation 1029659 (VCV001029659.1), dbSNP rs1563849907, ClinGen allele CA371868941.

ClinVar aggregate classification (germline): Uncertain significance (1 of 4 stars; one submission).

Conditions:
Cohen syndrome (COH1). Also called: PEPPER SYNDROME; Cutis verticis gyrata, retinitis pigmentosa, and sensorineural deafness. Identifiers: Orphanet 193, MedGen C0265223, MONDO:0008999, OMIM 216550.

Allele frequency attached by ClinVar (database versions not stated): gnomAD 0.00001; TOPMed 0.00001.
gnomAD v4.1: 1 of 1,613,632 alleles (0.000062%); highest among the groups gnomAD compares: Non-Finnish European, 0.000085%; no homozygotes.

Submission:

Baylor Genetics
Classification: Uncertain significance for Cohen syndrome. Last evaluated: 2020-03-18. Review status: criteria provided, single submitter. Criteria: ACMG Guidelines, 2015. Collection method: clinical testing. Allele origin: paternal. Affected: yes.
Comment: This variant was determined to be of uncertain significance according to ACMG Guidelines, 2015 [PMID:25741868].